The following is an entry in ClinVar:

NM_003742.4(ABCB11):c.23G>C (p.Arg8Pro)

Gene: ABCB11 (ATP binding cassette subfamily B member 11; minus strand). Cytogenetic location: 2q31.1.
Variant type: single nucleotide variant.
Coding change: c.23G>C on transcript NM_003742.4 (MANE Select); coding-DNA position 23, G replaced by C.
Protein change: p.Arg8Pro; replaces arginine 8 with proline.
Molecular consequence: missense variant.
Genome position (GRCh38, 1-based): chr2:169,018,103, C>G on the plus strand (G>C on the coding strand, the complement: ABCB11 is on the minus strand). VCF-style: chr2-169018103-C-G. GRCh37 (hg19) VCF-style: chr2-169874613-C-G.
Other names: short protein forms R8P.
Identifiers: ClinVar variation 4846163 (VCV004846163.1).
Genomic context (GRCh38, chr2:169,018,103, plus strand): 5'-CACTCACATGATTTATCTGACTCAAAACCATCATTCTCCTCTCCAAATTTCTTTATACTT[C>G]GAAGAATTACTGAGTCAGACATGGTAATTGCAACCCACAGCCAACGACCCTATAAAATAA-3'
Protein context (NP_003733.2, residues 1-18): MSDSVIL[Arg8Pro]SIKKFGEEND

ClinVar aggregate classification (germline): Uncertain significance (1 of 4 stars; one submission).

Conditions:
Familial intrahepatic cholestasis. Identifiers: Orphanet 284385, MedGen CN296401, MONDO:0017290.

Submission:

Genomenon, Inc
Classification: Uncertain significance for Familial intrahepatic cholestasis. Last evaluated: 2026-04-14. Review status: criteria provided, single submitter. Criteria: Genomenon Sequence Variant Interpretation Standards - Updated. Collection method: curation. Allele origin: germline. Affected: yes.
Comment: ABCB11 p.Arg8Pro (c.23G>C) is a missense variant that changes the amino acid at residue 8 from Arginine to Proline. This variant has been observed in at least one proband with an ABCB11-related disorder (PMID:37471416). It is absent or not present at a significant frequency in gnomAD. In conclusion, we classify ABCB11 p.Arg8Pro (c.23G>C) as a variant of uncertain significance.

Literature cited by the submitters: PubMed 37471416.